The following is an entry in ClinVar:

ClinVar aggregate classification (germline): Uncertain significance (1 of 4 stars; one submission).

Submission:

Labcorp Genetics (formerly Invitae), Labcorp
Classification: Uncertain significance. Last evaluated: 2021-08-12. Review status: criteria provided, single submitter. Criteria: Invitae Variant Classification Sherloc (09022015). Collection method: clinical testing. Allele origin: germline.
Comment: This sequence change replaces glycine with valine at codon 919 of the MSH3 protein (p.Gly919Val). The glycine residue is moderately conserved and there is a moderate physicochemical difference between glycine and valine. This variant is not present in population databases (ExAC no frequency). This variant has not been reported in the literature in individuals with MSH3-related conditions. Algorithms developed to predict the effect of missense changes on protein structure and function are either unavailable or do not agree on the potential impact of this missense change (SIFT: "Deleterious"; PolyPhen-2: "Probably Damaging"; Align-GVGD: "Class C0"). In summary, the available evidence is currently insufficient to determine the role of this variant in disease. Therefore, it has been classified as a Variant of Uncertain Significance.

NM_002439.5(MSH3):c.2756G>T (p.Gly919Val)

Gene: MSH3 (mutS homolog 3; plus strand). Cytogenetic location: 5q14.1.
Variant type: single nucleotide variant.
Coding change: c.2756G>T on transcript NM_002439.5 (MANE Select); coding-DNA position 2756, G replaced by T.
Protein change: p.Gly919Val; replaces glycine 919 with valine.
Molecular consequence: missense variant.
Genome position (GRCh38, 1-based): chr5:80,813,684, G>T. VCF-style: chr5-80813684-G-T. GRCh37 (hg19) VCF-style: chr5-80109503-G-T.
Other names: short protein forms G919V.
Identifiers: ClinVar variation 937450 (VCV000937450.9), dbSNP rs1580066529, ClinGen allele CA360274013.